The following is an entry in ClinVar:

ClinVar aggregate classification (germline): Uncertain significance (1 of 4 stars; one submission).

Conditions:
Familial hypobetalipoproteinemia 1. Also called: APOB-Related Familial Hypobetalipoproteinemia; Hypobetalipoproteinemia, normotriglyceridemic; Acanthocytosis with hypobetalipoproteinemia. Identifiers: MedGen C4551990, MONDO:0014252, OMIM 615558.
Hypercholesterolemia, autosomal dominant, type B (FHCL2). Also called: Familial Hypercholesterolemia Type B; APOLIPOPROTEIN B-100, FAMILIAL DEFECTIVE; APOLIPOPROTEIN B-100, FAMILIAL LIGAND-DEFECTIVE; HYPERCHOLESTEROLEMIA, FAMILIAL, DUE TO LIGAND-DEFECTIVE APOLIPOPROTEIN B; Hyperlipoproteinemia Type IIb; Familial hypercholesterolemia 2. Identifiers: MedGen C1704417, MONDO:0007751, OMIM 144010.

Allele frequency attached by ClinVar (database versions not stated): gnomAD exomes 0.00001; TOPMed 0.00001.
gnomAD v4.1: 12 of 1,551,588 alleles (0.00077%); highest among the groups gnomAD compares: Middle Eastern, 0.017%; no homozygotes.

Submission:

Labcorp Genetics (formerly Invitae), Labcorp
Classification: Uncertain significance for Familial hypobetalipoproteinemia 1; Hypercholesterolemia, autosomal dominant, type B. Last evaluated: 2025-08-05. Review status: criteria provided, single submitter. Criteria: Invitae Variant Classification Sherloc (09022015). Collection method: clinical testing. Allele origin: germline.
Comment: This sequence change replaces alanine, which is neutral and non-polar, with valine, which is neutral and non-polar, at codon 2199 of the APOB protein (p.Ala2199Val). This variant is not present in population databases (gnomAD no frequency). This missense change has been observed in individual(s) with hypercholesterolemia (PMID: 35047021). ClinVar contains an entry for this variant (Variation ID: 2936567). Invitae Evidence Modeling of protein sequence and biophysical properties (such as structural, functional, and spatial information, amino acid conservation, physicochemical variation, residue mobility, and thermodynamic stability) indicates that this missense variant is not expected to disrupt APOB protein function with a negative predictive value of 95%. In summary, the available evidence is currently insufficient to determine the role of this variant in disease. Therefore, it has been classified as a Variant of Uncertain Significance.

Literature cited by the submitters: PubMed 35047021.

NM_000384.3(APOB):c.6596C>T (p.Ala2199Val)

Gene: APOB (apolipoprotein B; minus strand). Cytogenetic location: 2p24.1.
Variant type: single nucleotide variant.
Coding change: c.6596C>T on transcript NM_000384.3 (MANE Select); coding-DNA position 6596, C replaced by T.
Protein change: p.Ala2199Val; replaces alanine 2199 with valine.
Molecular consequence: missense variant.
Genome position (GRCh38, 1-based): chr2:21,010,272, G>A on the plus strand (C>T on the coding strand, the complement: APOB is on the minus strand). VCF-style: chr2-21010272-G-A. GRCh37 (hg19) VCF-style: chr2-21233144-G-A.
Other names: short protein forms A2199V.
Identifiers: ClinVar variation 2936567 (VCV002936567.3), dbSNP rs1051387461, ClinGen allele CA43505067.
Genomic context (GRCh38, chr2:21,010,272, plus strand): 5'-CGGATATGATAGTGCTCATCAAGACTTTTTAATTTTTCAATGATTTCATCAATAATATTA[G>A]CAATAGCTATTTTCAAATCATGTAAATCATAACTATCTTTAATATACTGATCAAATTGTA-3'
Protein context (NP_000375.3, residues 2189-2209): YDLHDLKIAI[Ala2199Val]NIIDEIIEKL